The following is an entry in ClinVar:

NM_004329.3(BMPR1A):c.778G>C (p.Val260Leu)

Gene: BMPR1A (bone morphogenetic protein receptor type 1A; plus strand). Cytogenetic location: 10q23.2.
Variant type: single nucleotide variant.
Coding change: c.778G>C on transcript NM_004329.3 (MANE Select); coding-DNA position 778, G replaced by C.
Protein change: p.Val260Leu; replaces valine 260 with leucine.
Molecular consequence: missense variant. On other transcripts: non-coding transcript variant (3).
Genome position (GRCh38, 1-based): chr10:86,917,236, G>C. VCF-style: chr10-86917236-G-C. GRCh37 (hg19) VCF-style: chr10-88676993-G-C.
Other names: c.853G>C, p.Val285Leu (NM_001406559.1); c.826G>C, p.Val276Leu (NM_001406560.1); c.778G>C, p.Val260Leu (NM_001406561.1, NM_001406562.1, NM_001406563.1 and 19 more transcripts); c.694G>C, p.Val232Leu (NM_001406584.1, NM_001406585.1, NM_001406586.1 and 2 more transcripts); c.436G>C, p.Val146Leu (NM_001406589.1); c.772G>C, p.Val258Leu (NM_001406583.1); short protein forms V146L, V232L, V258L, V260L, V276L, V285L.
Identifiers: ClinVar variation 2680198 (VCV002680198.2), dbSNP rs2133576357, ClinGen allele CA377457958.

ClinVar aggregate classification (germline): Uncertain significance. Review status: criteria provided, multiple submitters, no conflicts (2 of 4 stars). 2 submissions from 2 submitters: Uncertain significance (2). Last evaluated 2026-07-06.

Conditions:
Polyposis syndrome, hereditary mixed, 2. Identifiers: Orphanet 157794, MedGen C1864730, MONDO:0012405, OMIM 610069.
Hereditary cancer-predisposing syndrome. Also called: Hereditary neoplastic syndrome; Hereditary Cancer Syndrome; Neoplastic Syndromes, Hereditary; Tumor predisposition. Identifiers: Orphanet 140162, MedGen C0027672, MeSH D009386, MONDO:0015356.

Submissions (2):

Ambry Genetics
Classification: Uncertain significance for Hereditary cancer-predisposing syndrome. Last evaluated: 2026-07-06. Review status: criteria provided, single submitter. Criteria: Ambry Variant Classification Scheme 2023. Collection method: clinical testing. Allele origin: germline.
Comment: The p.V260L variant (also known as c.778G>C), located in coding exon 7 of the BMPR1A gene, results from a G to C substitution at nucleotide position 778. The valine at codon 260 is replaced by leucine, an amino acid with highly similar properties. This amino acid position is conserved. In addition, this alteration is predicted to be deleterious by in silico analysis. Based on the available evidence, the clinical significance of this variant remains unclear.

Baylor Genetics
Classification: Uncertain significance for Polyposis syndrome, hereditary mixed, 2. Last evaluated: 2023-09-20. Review status: criteria provided, single submitter. Criteria: ACMG Guidelines, 2015. Collection method: clinical testing. Allele origin: unknown.